The following is an entry in ClinVar:

NM_016824.5(ADD3):c.635G>A (p.Gly212Glu)

Gene: ADD3 (adducin 3; plus strand). Cytogenetic location: 10q25.2.
Variant type: single nucleotide variant.
Coding change: c.635G>A on transcript NM_016824.5 (MANE Select); coding-DNA position 635, G replaced by A.
Protein change: p.Gly212Glu; replaces glycine 212 with glutamic acid.
Molecular consequence: missense variant.
Genome position (GRCh38, 1-based): chr10:110,118,654, G>A. VCF-style: chr10-110118654-G-A. GRCh37 (hg19) VCF-style: chr10-111878412-G-A.
Other names: c.635G>A, p.Gly212Glu (NM_001121.4, NM_001320591.2, NM_001320592.2 and 2 more transcripts); c.401G>A, p.Gly134Glu (NM_001320594.2); short protein forms G134E, G212E.
Identifiers: ClinVar variation 1389056 (VCV001389056.8), dbSNP rs1412809874, ClinGen allele CA378367047.

ClinVar aggregate classification (germline): Uncertain significance (1 of 4 stars; one submission).

gnomAD v4.1: 1 of 1,613,728 alleles (0.000062%); highest among the groups gnomAD compares: South Asian, 0.0011%; no homozygotes.

Submission:

Labcorp Genetics (formerly Invitae), Labcorp
Classification: Uncertain significance. Last evaluated: 2022-08-09. Review status: criteria provided, single submitter. Criteria: Invitae Variant Classification Sherloc (09022015). Collection method: clinical testing. Allele origin: germline.
Comment: This sequence change replaces glycine, which is neutral and non-polar, with glutamic acid, which is acidic and polar, at codon 212 of the ADD3 protein (p.Gly212Glu). This variant is not present in population databases (gnomAD no frequency). This variant has not been reported in the literature in individuals affected with ADD3-related conditions. ClinVar contains an entry for this variant (Variation ID: 1389056). Algorithms developed to predict the effect of missense changes on protein structure and function are either unavailable or do not agree on the potential impact of this missense change (SIFT: "Not Available"; PolyPhen-2: "Probably Damaging"; Align-GVGD: "Not Available"). In summary, the available evidence is currently insufficient to determine the role of this variant in disease. Therefore, it has been classified as a Variant of Uncertain Significance.